The following is an entry in ClinVar:

NM_001290060.2(SEMA3B):c.1605del (p.Trp536fs)

Gene: SEMA3B (semaphorin 3B; plus strand). Cytogenetic location: 3p21.31.
Variant type: Deletion.
Coding change: c.1605del on transcript NM_001290060.2 (MANE Select); coding-DNA position 1605, one base deleted (C; older notation c.1605delC).
Protein change: p.Trp536fs; shifts the reading frame from tryptophan 536.
Molecular consequence: frameshift variant.
Genome position (GRCh38, 1-based): chr3:50,275,415, C deleted; the last of 2 consecutive C bases (chr3:50,275,414-50,275,415); deleting either gives the same sequence. VCF-style (leftmost placement, unchanged base first): chr3-50275413-GC-G. GRCh37 (hg19) VCF-style: chr3-50312844-GC-G.
Other names: c.1602del, p.Trp535fs (NM_001005914.3, NM_001435957.1, NM_001435958.1); c.1620del, p.Trp541fs (NM_001290061.1); c.576del, p.Trp193fs (NM_001290062.2, NM_001290063.2); c.1605del, p.Trp536fs (NM_001435956.1, NM_004636.4); c.1620delC (NM_001290061.1); short protein forms W541fs, W193fs, W535fs, W536fs.
Identifiers: ClinVar variation 5001840 (VCV005001840.1).

ClinVar aggregate classification (germline): Uncertain significance (1 of 4 stars; one submission).

Conditions:
SEMA3B-related disorder. Also called: SEMA3B-related condition.

Submission:

PreventionGenetics, part of Exact Sciences
Classification: Uncertain significance for SEMA3B-related condition. Last evaluated: 2025-06-02. Review status: criteria provided, single submitter. Criteria: ACMG Guidelines, 2015. Collection method: clinical testing. Allele origin: germline.
Comment: The SEMA3B c.1620delC variant is predicted to result in a frameshift and premature protein termination (p.Trp541Glyfs*22). To our knowledge, this variant has not been reported in the literature or in a large population database (gnomAD), indicating this variant is rare. Loss-of-function has not been established as a disease mechanism for this gene, and therefore the clinical significance of this variant is currently uncertain due to the absence of conclusive functional and genetic evidence.